The following is an entry in ClinVar:

ClinVar aggregate classification (germline): Uncertain significance (1 of 4 stars; one submission).

Allele frequency attached by ClinVar (database versions not stated): gnomAD exomes below 0.00001; ExAC 0.00001; TOPMed 0.00001.
gnomAD v4.1: 4 of 1,610,460 alleles (0.00025%); highest among the groups gnomAD compares: Non-Finnish European, 0.00034%; no homozygotes.

Submission:

Labcorp Genetics (formerly Invitae), Labcorp
Classification: Uncertain significance. Last evaluated: 2025-10-07. Review status: criteria provided, single submitter. Criteria: Invitae Variant Classification Sherloc (09022015). Collection method: clinical testing. Allele origin: germline.
Comment: This sequence change falls in intron 5 of the HMCN1 gene. It does not directly change the encoded amino acid sequence of the HMCN1 protein. It affects a nucleotide within the consensus splice site. This variant is present in population databases (rs752950964, gnomAD 0.0009%). This variant has not been reported in the literature in individuals affected with HMCN1-related conditions. ClinVar contains an entry for this variant (Variation ID: 1382811). Variants that disrupt the consensus splice site are a relatively common cause of aberrant splicing (PMID: 17576681, 9536098). Algorithms developed to predict the effect of sequence changes on RNA splicing suggest that this variant is not likely to affect RNA splicing. In summary, the available evidence is currently insufficient to determine the role of this variant in disease. Therefore, it has been classified as a Variant of Uncertain Significance.

Literature cited by the submitters: PubMed 17576681; PubMed 9536098.

NM_031935.3(HMCN1):c.793+3G>A

Gene: HMCN1 (hemicentin 1; plus strand). Cytogenetic location: 1q31.1.
Variant type: single nucleotide variant.
Coding change: c.793+3G>A on transcript NM_031935.3 (MANE Select); 3 bases into the intron after coding-DNA position 793, G replaced by A.
Molecular consequence: intron variant.
Genome position (GRCh38, 1-based): chr1:185,909,511, G>A. VCF-style: chr1-185909511-G-A. GRCh37 (hg19) VCF-style: chr1-185878643-G-A.
Identifiers: ClinVar variation 1382811 (VCV001382811.6), dbSNP rs752950964, ClinGen allele CA1290935.
Genomic context (GRCh38, chr1:185,909,511, plus strand): 5'-GAGGTCACTGTGTCTTTGAGTGGGCCTTCTCCAATGATTGAAATTCGCAATCCTTTAGGT[G>A]AGATATATCAAACATCACATAATAAAATACAAAATACATAGAGGGTAAAATACTTTTCAC-3'